The following is an entry in ClinVar:

NM_006180.6(NTRK2):c.1296G>A (p.Ser432=)

Gene: NTRK2 (neurotrophic receptor tyrosine kinase 2; plus strand). Cytogenetic location: 9q21.33.
Variant type: single nucleotide variant.
Coding change: c.1296G>A on transcript NM_006180.6 (MANE Select); coding-DNA position 1296, G replaced by A.
Protein change: p.Ser432=; no amino-acid change (serine 432 retained).
Molecular consequence: synonymous variant.
Genome position (GRCh38, 1-based): chr9:84,745,073, G>A. VCF-style: chr9-84745073-G-A. GRCh37 (hg19) VCF-style: chr9-87359988-G-A.
Other names: c.1296G>A, p.Ser432= (NM_001007097.3, NM_001018064.3, NM_001018065.2 and 15 more transcripts); c.1257G>A, p.Ser419= (NM_001291937.2, NM_001369546.1); c.1260G>A, p.Ser420= (NM_001369534.1); c.828G>A, p.Ser276= (NM_001369535.1, NM_001369536.1, NM_001369550.1 and 2 more transcripts); c.1296G>A (NM_006180.4).
Identifiers: ClinVar variation 1434494 (VCV001434494.9), dbSNP rs778382743, ClinGen allele CA5105697.

ClinVar aggregate classification (germline): Uncertain significance. Review status: criteria provided, single submitter (1 of 4 stars). 2 submissions from 2 submitters: Uncertain significance (1). 1 of the submissions does not count toward it. Last evaluated 2024-05-21.

Conditions:
NTRK2-related disorder. Also called: NTRK2-related condition.

Allele frequency attached by ClinVar (database versions not stated): ExAC 0.00001; gnomAD exomes 0.00002.
gnomAD v4.1: 14 of 1,609,778 alleles (0.00087%); highest among the groups gnomAD compares: South Asian, 0.013%; 1 homozygote.

Submissions (2):

Labcorp Genetics (formerly Invitae), Labcorp
Classification: Uncertain significance. Last evaluated: 2024-05-21. Review status: criteria provided, single submitter. Criteria: Invitae Variant Classification Sherloc (09022015). Collection method: clinical testing. Allele origin: germline.
Comment: This sequence change affects codon 432 of the NTRK2 mRNA. It is a 'silent' change, meaning that it does not change the encoded amino acid sequence of the NTRK2 protein. This variant also falls at the last nucleotide of exon 13, which is part of the consensus splice site for this exon. This variant is present in population databases (rs778382743, gnomAD 0.01%). This variant has not been reported in the literature in individuals affected with NTRK2-related conditions. ClinVar contains an entry for this variant (Variation ID: 1434494). Variants that disrupt the consensus splice site are a relatively common cause of aberrant splicing (PMID: 17576681, 9536098). Algorithms developed to predict the effect of sequence changes on RNA splicing suggest that this variant is not likely to affect RNA splicing. In summary, the available evidence is currently insufficient to determine the role of this variant in disease. Therefore, it has been classified as a Variant of Uncertain Significance.

PreventionGenetics, part of Exact Sciences
Classification: Likely benign for NTRK2-related condition. Last evaluated: 2023-07-20. Review status: no assertion criteria provided. Collection method: clinical testing. Allele origin: germline. Not counted in ClinVar's aggregate classification.
Comment: This variant is classified as likely benign based on ACMG/AMP sequence variant interpretation guidelines (Richards et al. 2015 PMID: 25741868, with internal and published modifications).

Literature cited by the submitters: PubMed 17576681 (cited by Labcorp Genetics (formerly Invitae), Labcorp); PubMed 9536098 (cited by Labcorp Genetics (formerly Invitae), Labcorp).